The following is an entry in ClinVar:

NM_014495.4(ANGPTL3):c.835+1G>C

Genes: ANGPTL3 (angiopoietin like 3; plus strand), DOCK7 (dedicator of cytokinesis 7; minus strand). Cytogenetic location: 1p31.3.
Variant type: single nucleotide variant.
Coding change: c.835+1G>C on transcript NM_014495.4 (MANE Select); the canonical splice donor site of the intron after coding-DNA position 835, G replaced by C.
Molecular consequence: splice donor variant. On other transcripts: intron variant (7).
Genome position (GRCh38, 1-based): chr1:62,601,883, G>C. VCF-style: chr1-62601883-G-C. GRCh37 (hg19) VCF-style: chr1-63067554-G-C.
Other names: c.1683-15259C>G (NM_001272001.2, NM_001272000.2, NM_033407.4 and 4 more transcripts).
Identifiers: ClinVar variation 2893114 (VCV002893114.3), dbSNP rs191293319, ClinGen allele CA886693.

ClinVar aggregate classification (germline): Likely pathogenic (1 of 4 stars; one submission).

Allele frequency attached by ClinVar (database versions not stated): gnomAD exomes below 0.00001; ExAC 0.00001; gnomAD 0.00005; TOPMed 0.00015; 1000 Genomes Project 0.00020; 1000 Genomes Project 30x 0.00031.
gnomAD v4.1: 14 of 1,590,090 alleles (0.00088%); highest among the groups gnomAD compares: Admixed American, 0.015%; no homozygotes.

Submission:

Labcorp Genetics (formerly Invitae), Labcorp
Classification: Likely pathogenic. Last evaluated: 2024-10-16. Review status: criteria provided, single submitter. Criteria: Invitae Variant Classification Sherloc (09022015). Collection method: clinical testing. Allele origin: germline.
Comment: This sequence change affects a donor splice site in intron 4 of the ANGPTL3 gene. It is expected to disrupt RNA splicing. Variants that disrupt the donor or acceptor splice site typically lead to a loss of protein function (PMID: 16199547), and loss-of-function variants in ANGPTL3 are known to be pathogenic (PMID: 22247256, 24058201). This variant is present in population databases (rs191293319, gnomAD 0.003%). Disruption of this splice site has been observed in individual(s) with clinical features of ANGPTL3-related conditions (PMID: 36325899). Algorithms developed to predict the effect of sequence changes on RNA splicing suggest that this variant may disrupt the consensus splice site. In summary, the currently available evidence indicates that the variant is pathogenic, but additional data are needed to prove that conclusively. Therefore, this variant has been classified as Likely Pathogenic.

Literature cited by the submitters: PubMed 16199547; PubMed 22247256; PubMed 24058201; PubMed 36325899.